The following is an entry in ClinVar:

NM_005876.5(SPEG):c.206C>T (p.Thr69Met)

Gene: SPEG (striated muscle enriched protein kinase; plus strand). Cytogenetic location: 2q35.
Variant type: single nucleotide variant.
Coding change: c.206C>T on transcript NM_005876.5 (MANE Select); coding-DNA position 206, C replaced by T.
Protein change: p.Thr69Met; replaces threonine 69 with methionine.
Molecular consequence: missense variant.
Genome position (GRCh38, 1-based): chr2:219,435,183, C>T. VCF-style: chr2-219435183-C-T. GRCh37 (hg19) VCF-style: chr2-220299905-C-T.
Other names: short protein forms T69M.
Identifiers: ClinVar variation 721102 (VCV000721102.15), dbSNP rs768017689, ClinGen allele CA2125351.

ClinVar aggregate classification (germline): Conflicting classifications of pathogenicity. Review status: criteria provided, conflicting classifications (1 of 4 stars). 4 submissions from 4 submitters: Uncertain significance (3); Likely benign (1). Last evaluated 2026-01-19.

Conditions:
Inborn genetic diseases. Identifiers: MedGen C0950123, MeSH D030342.
Myopathy, centronuclear, 5 (CNM5). Identifiers: Orphanet 169186, MedGen C4014814, MONDO:0014418, OMIM 615959.

Allele frequency attached by ClinVar (database versions not stated): ExAC below 0.00001; gnomAD 0.00016; TOPMed 0.00039; 1000 Genomes Project 30x 0.00047; gnomAD exomes 0.00112.
gnomAD v4.1: 132 of 1,476,364 alleles (0.0089%); highest among the groups gnomAD compares: Admixed American, 0.3%; no homozygotes.

Submissions (4):

Labcorp Genetics (formerly Invitae), Labcorp
Classification: Likely benign. Last evaluated: 2026-01-19. Review status: criteria provided, single submitter. Criteria: Invitae Variant Classification Sherloc (09022015). Collection method: clinical testing. Allele origin: germline.

Ambry Genetics
Classification: Uncertain significance for Inborn genetic diseases. Last evaluated: 2025-10-02. Review status: criteria provided, single submitter. Criteria: Ambry Variant Classification Scheme 2023. Collection method: clinical testing. Allele origin: germline.

Revvity Omics, Revvity
Classification: Uncertain significance for Myopathy, centronuclear, 5. Last evaluated: 2022-05-05. Review status: criteria provided, single submitter. Criteria: ACMG Guidelines, 2015. Collection method: clinical testing. Allele origin: germline.

Baylor Genetics
Classification: Uncertain significance for Myopathy, centronuclear, 5. Last evaluated: 2020-01-14. Review status: criteria provided, single submitter. Criteria: ACMG Guidelines, 2015. Collection method: clinical testing. Allele origin: unknown. Affected: yes.
Comment: This variant was determined to be of uncertain significance according to ACMG Guidelines, 2015 [PMID:25741868].